The following is an entry in ClinVar:

ClinVar aggregate classification (germline): Uncertain significance (1 of 4 stars; one submission).

Allele frequency attached by ClinVar (database versions not stated): TOPMed below 0.00001; gnomAD 0.00001; gnomAD exomes 0.00001; ExAC 0.00002.

Submission:

Labcorp Genetics (formerly Invitae), Labcorp
Classification: Uncertain significance. Last evaluated: 2022-07-18. Review status: criteria provided, single submitter. Criteria: Invitae Variant Classification Sherloc (09022015). Collection method: clinical testing. Allele origin: germline.
Comment: In summary, the available evidence is currently insufficient to determine the role of this variant in disease. Therefore, it has been classified as a Variant of Uncertain Significance. Algorithms developed to predict the effect of missense changes on protein structure and function are either unavailable or do not agree on the potential impact of this missense change (SIFT: "Tolerated"; PolyPhen-2: "Possibly Damaging"; Align-GVGD: "Class C0"). ClinVar contains an entry for this variant (Variation ID: 1482806). This variant has not been reported in the literature in individuals affected with FAM161A-related conditions. This variant is present in population databases (rs756092108, gnomAD 0.01%). This sequence change replaces glutamic acid, which is acidic and polar, with glycine, which is neutral and non-polar, at codon 587 of the FAM161A protein (p.Glu587Gly).

NM_001201543.2(FAM161A):c.1760A>G (p.Glu587Gly)

Gene: FAM161A (FAM161 centrosomal protein A; minus strand). Cytogenetic location: 2p15.
Variant type: single nucleotide variant.
Coding change: c.1760A>G on transcript NM_001201543.2 (MANE Select); coding-DNA position 1760, A replaced by G.
Protein change: p.Glu587Gly; replaces glutamic acid 587 with glycine.
Molecular consequence: missense variant. On other transcripts: non-coding transcript variant (1).
Genome position (GRCh38, 1-based): chr2:61,836,101, T>C on the plus strand (A>G on the coding strand, the complement: FAM161A is on the minus strand). VCF-style: chr2-61836101-T-C. GRCh37 (hg19) VCF-style: chr2-62063236-T-C.
Other names: c.1592A>G, p.Glu531Gly (NM_032180.3); short protein forms E587G, E531G.
Identifiers: ClinVar variation 1482806 (VCV001482806.6), dbSNP rs756092108, ClinGen allele CA1679037.